The following is an entry in ClinVar:

NM_001374828.1(ARID1B):c.3303C>T (p.Asp1101=)

Gene: ARID1B (AT-rich interaction domain 1B; plus strand). Cytogenetic location: 6q25.3.
Variant type: single nucleotide variant.
Coding change: c.3303C>T on transcript NM_001374828.1 (MANE Select); coding-DNA position 3303, C replaced by T.
Protein change: p.Asp1101=; no amino-acid change (aspartic acid 1101 retained).
Molecular consequence: synonymous variant.
Genome position (GRCh38, 1-based): chr6:157,174,075, C>T. VCF-style: chr6-157174075-C-T. GRCh37 (hg19) VCF-style: chr6-157495209-C-T.
Other names: c.804C>T, p.Asp268= (NM_001363725.2); c.3342C>T, p.Asp1114= (NM_001371656.1, NM_001374820.1); c.3303C>T, p.Asp1101= (NM_017519.3); c.3093C>T (NM_020732.3).
Identifiers: ClinVar variation 1593625 (VCV001593625.21), dbSNP rs147853607, ClinGen allele CA4067272.
Genomic context (GRCh38, chr6:157,174,075, plus strand): 5'-GGGTCTTGCAGATATGATGTCTCCTGGTGAATCCAAACTGCCCCTGCCTCTCAAAGCAGA[C>T]GGCAAAGAAGAAGGCACTCCACAGCCCGAGAGCAAGTCAAAGGTACTTCCTTCGCCTCTG-3'
Protein context (NP_001361757.1, residues 1091-1111): ESKLPLPLKA[Asp1101=]GKEEGTPQPE

ClinVar aggregate classification (germline): Likely benign. Review status: criteria provided, multiple submitters, no conflicts (2 of 4 stars). 4 submissions from 4 submitters: Likely benign (4). Last evaluated 2026-01-05.

Conditions:
Inborn genetic diseases. Identifiers: MedGen C0950123, MeSH D030342.

Allele frequency attached by ClinVar (database versions not stated): gnomAD exomes 0.00019 and 0.00023; ExAC 0.00020; ESP Exome Variant Server 0.00023; TOPMed 0.00026; gnomAD 0.00036.
gnomAD v4.1: 386 of 1,614,124 alleles (0.024%); highest among the groups gnomAD compares: Admixed American, 0.047%; no homozygotes.

Submissions (4):

Labcorp Genetics (formerly Invitae), Labcorp
Classification: Likely benign. Last evaluated: 2026-01-05. Review status: criteria provided, single submitter. Criteria: Invitae Variant Classification Sherloc (09022015). Collection method: clinical testing. Allele origin: germline.

CeGaT Center for Human Genetics Tuebingen
Classification: Likely benign. Last evaluated: 2025-09-01. Review status: criteria provided, single submitter. Criteria: CeGaT Center For Human Genetics Tuebingen Variant Classification Criteria Version 2. Collection method: clinical testing. Allele origin: germline. Affected: yes. Observed: 2 variant alleles.
Comment: ARID1B: BP4, BP7

Blueprint Genetics
Classification: Likely benign. Last evaluated: 2024-09-10. Review status: criteria provided, single submitter. Criteria: ACMG Guidelines, 2015. Collection method: clinical testing. Allele origin: germline.

Ambry Genetics
Classification: Likely benign for Inborn genetic diseases. Last evaluated: 2019-11-11. Review status: criteria provided, single submitter. Criteria: Ambry Variant Classification Scheme 2023. Collection method: clinical testing. Allele origin: germline.